The following is an entry in ClinVar:

NM_133259.4(LRPPRC):c.149+276T>C

Gene: LRPPRC (leucine rich pentatricopeptide repeat containing; minus strand). Cytogenetic location: 2p21.
Variant type: single nucleotide variant.
Coding change: c.149+276T>C on transcript NM_133259.4 (MANE Select); 276 bases into the intron after coding-DNA position 149, T replaced by C.
Molecular consequence: intron variant.
Genome position (GRCh38, 1-based): chr2:43,995,523, A>G on the plus strand (T>C on the coding strand, the complement: LRPPRC is on the minus strand). VCF-style: chr2-43995523-A-G. GRCh37 (hg19) VCF-style: chr2-44222662-A-G.
Identifiers: ClinVar variation 684305 (VCV000684305.1), dbSNP rs12712903, ClinGen allele CA11113887.

ClinVar aggregate classification (germline): Benign (1 of 4 stars; one submission).

Allele frequency attached by ClinVar (database versions not stated): 1000 Genomes Project 0.48802; 1000 Genomes Project 30x 0.49391; TOPMed 0.63922; gnomAD 0.65081 and 0.66571.
gnomAD v4.1: 99,055 of 152,144 alleles (65%); highest among the groups gnomAD compares: Non-Finnish European, 70%; 33,564 homozygotes.

Submission:

GeneDx
Classification: Benign. Last evaluated: 2018-06-14. Review status: criteria provided, single submitter. Criteria: GeneDx Variant Classification (06012015). Collection method: clinical testing. Allele origin: germline. Affected: yes.
Comment: This variant is considered likely benign or benign based on one or more of the following criteria: it is a conservative change, it occurs at a poorly conserved position in the protein, it is predicted to be benign by multiple in silico algorithms, and/or has population frequency not consistent with disease.